The following is an entry in ClinVar:

ClinVar aggregate classification (germline): Pathogenic (1 of 4 stars; one submission).

Conditions:
Glycogen storage disease IXc (GSD9C). Also called: GSD IXc. Identifiers: Orphanet 264580, MedGen C2751643, MONDO:0013091, OMIM 613027.

Submission:

Labcorp Genetics (formerly Invitae), Labcorp
Classification: Pathogenic for Glycogen storage disease IXc. Last evaluated: 2017-12-17. Review status: criteria provided, single submitter. Criteria: Invitae Variant Classification Sherloc (09022015). Collection method: clinical testing. Allele origin: germline.
Comment: For these reasons, this variant has been classified as Pathogenic. This sequence change creates a premature translational stop signal (p.Phe107*) in the PHKG2 gene. It is expected to result in an absent or disrupted protein product. This variant is not present in population databases (ExAC no frequency). This variant has not been reported in the literature in individuals with PHKG2-related disease. Loss-of-function variants in PHKG2 are known to be pathogenic (PMID: 8896567, 17689125, 21646031).

Literature cited by the submitters: PubMed 8896567; PubMed 17689125; PubMed 21646031.

NM_000294.3(PHKG2):c.318_319del (p.Val106_Phe107insTer)

Gene: PHKG2 (phosphorylase kinase catalytic subunit gamma 2; plus strand). Cytogenetic location: 16p11.2.
Variant type: Microsatellite.
Coding change: c.318_319del on transcript NM_000294.3 (MANE Select); coding-DNA positions 318 to 319, 2 bases deleted (GT; older notation c.318_319delGT).
Protein change: p.Val106_Phe107insTer.
Molecular consequence: frameshift variant.
Genome position (GRCh38, 1-based): chr16:30,751,595-30,751,596, GT deleted; deleting any 2 consecutive bases within chr16:30,751,593-30,751,596 gives the same sequence; the c. name uses the placement nearest the transcript's 3' end. VCF-style (leftmost placement, unchanged base first): chr16-30751592-GGT-G. GRCh37 (hg19) VCF-style: chr16-30762913-GGT-G.
Other names: c.318_319del, p.Val106_Phe107insTer (NM_001172432.2).
Identifiers: ClinVar variation 538173 (VCV000538173.6), dbSNP rs1555467052, ClinGen allele CA658798588.
Genomic context (GRCh38, chr16:30,751,592, plus strand): 5'-TCTTCCTCTCTCCCTAGTCACCCTCATCGATTCCTACGAGTCTTCTAGCTTCATGTTCCT[GGT>G]GTTTGACCTGTGAGTATCTCCCTGCCACCATCTGAGAAGCCTCCTCCCCACCTCCATGTA-3'